The following is an entry in ClinVar:

NM_005502.4(ABCA1):c.40A>T (p.Asn14Tyr)

Gene: ABCA1 (ATP binding cassette subfamily A member 1; minus strand). Cytogenetic location: 9q31.1.
Variant type: single nucleotide variant.
Coding change: c.40A>T on transcript NM_005502.4 (MANE Select); coding-DNA position 40, A replaced by T.
Protein change: p.Asn14Tyr; replaces asparagine 14 with tyrosine.
Molecular consequence: missense variant.
Genome position (GRCh38, 1-based): chr9:104,903,640, T>A on the plus strand (A>T on the coding strand, the complement: ABCA1 is on the minus strand). VCF-style: chr9-104903640-T-A. GRCh37 (hg19) VCF-style: chr9-107665921-T-A.
Other names: short protein forms N14Y.
Identifiers: ClinVar variation 5033289 (VCV005033289.1).

ClinVar aggregate classification (germline): Uncertain significance (1 of 4 stars; one submission).

Conditions:
Cardiovascular phenotype. Identifiers: MedGen CN230736.

Submission:

Ambry Genetics
Classification: Uncertain significance for Cardiovascular phenotype. Last evaluated: 2026-06-20. Review status: criteria provided, single submitter. Criteria: Ambry Variant Classification Scheme 2023. Collection method: clinical testing. Allele origin: germline.
Comment: The p.N14Y variant (also known as c.40A>T), located in coding exon 1 of the ABCA1 gene, results from an A to T substitution at nucleotide position 40. The asparagine at codon 14 is replaced by tyrosine, an amino acid with dissimilar properties. This amino acid position is conserved. In addition, this alteration is predicted to be deleterious by in silico analysis. Based on the available evidence, the clinical significance of this variant remains unclear.